The following is an entry in ClinVar:

NM_004329.3(BMPR1A):c.786A>G (p.Val262=)

Gene: BMPR1A (bone morphogenetic protein receptor type 1A; plus strand). Cytogenetic location: 10q23.2.
Variant type: single nucleotide variant.
Coding change: c.786A>G on transcript NM_004329.3 (MANE Select); coding-DNA position 786, A replaced by G.
Protein change: p.Val262=; no amino-acid change (valine 262 retained).
Molecular consequence: synonymous variant.
Genome position (GRCh38, 1-based): chr10:86,917,244, A>G. VCF-style: chr10-86917244-A-G. GRCh37 (hg19) VCF-style: chr10-88677001-A-G.
Identifiers: ClinVar variation 506428 (VCV000506428.19), dbSNP rs745728681, ClinGen allele CA5585608.

ClinVar aggregate classification (germline): Benign/Likely benign. Review status: criteria provided, multiple submitters, no conflicts (2 of 4 stars). 8 submissions from 8 submitters: Benign (1); Likely benign (6). 1 of the submissions does not count toward it. Last evaluated 2025-11-27.

Conditions:
Juvenile polyposis syndrome (JPS). Identifiers: Orphanet 2929, MedGen C0345893, MONDO:0017380, OMIM 174900.
BMPR1A-related disorder. Also called: BMPR1A-related condition.
Hereditary cancer-predisposing syndrome. Also called: Hereditary Cancer Syndrome; Tumor predisposition; Neoplastic Syndromes, Hereditary; Hereditary neoplastic syndrome. Identifiers: Orphanet 140162, MedGen C0027672, MeSH D009386, MONDO:0015356.

Allele frequency attached by ClinVar (database versions not stated): TOPMed below 0.00001; ExAC 0.00001; gnomAD exomes 0.00001.
gnomAD v4.1: 21 of 1,613,902 alleles (0.0013%); highest among the groups gnomAD compares: Non-Finnish European, 0.0018%; no homozygotes.

Submissions (8):

Labcorp Genetics (formerly Invitae), Labcorp
Classification: Likely benign for Juvenile polyposis syndrome. Last evaluated: 2025-11-27. Review status: criteria provided, single submitter. Criteria: Invitae Variant Classification Sherloc (09022015). Collection method: clinical testing. Allele origin: germline.

Quest Diagnostics Nichols Institute San Juan Capistrano
Classification: Likely benign. Last evaluated: 2025-08-18. Review status: criteria provided, single submitter. Criteria: Quest Diagnostics criteria. Collection method: clinical testing. Allele origin: unknown.

Myriad Genetics, Inc.
Classification: Benign for Juvenile polyposis syndrome. Last evaluated: 2024-08-05. Review status: criteria provided, single submitter. Criteria: Myriad Autosomal Dominant, Autosomal Recessive and X-Linked Classification Criteria (2023). Collection method: clinical testing. Allele origin: unknown.
Comment: This variant is considered benign. This variant is a silent/synonymous amino acid change and it is not expected to impact splicing.

All of Us Research Program, National Institutes of Health
Classification: Likely benign for Juvenile polyposis syndrome. Last evaluated: 2024-07-29. Review status: criteria provided, single submitter. Criteria: ACMG Guidelines, 2015. Collection method: clinical testing. Allele origin: germline. Inheritance: Autosomal dominant inheritance. Observed: 1 variant allele, 1 heterozygote.
Comment: This study involves interpretation of variants in research participants for the purpose of population health screening. Participant phenotype was not available at the time of variant classification. Additional details can be found in publication PMID: 35346344, PMCID: PMC8962531

Ambry Genetics
Classification: Likely benign for Hereditary cancer-predisposing syndrome. Last evaluated: 2020-12-01. Review status: criteria provided, single submitter. Criteria: Ambry Variant Classification Scheme 2023. Collection method: clinical testing. Allele origin: germline.

Color Diagnostics, LLC DBA Color Health
Classification: Likely benign for Hereditary cancer-predisposing syndrome. Last evaluated: 2019-09-09. Review status: criteria provided, single submitter. Criteria: ACMG Guidelines, 2015. Collection method: clinical testing. Allele origin: germline.

GeneDx
Classification: Likely benign. Last evaluated: 2017-12-01. Review status: criteria provided, single submitter. Criteria: GeneDx Variant Classification (06012015). Collection method: clinical testing. Allele origin: germline. Affected: yes.
Comment: This variant is considered likely benign or benign based on one or more of the following criteria: it is a conservative change, it occurs at a poorly conserved position in the protein, it is predicted to be benign by multiple in silico algorithms, and/or has population frequency not consistent with disease.

PreventionGenetics, part of Exact Sciences
Classification: Likely benign for BMPR1A-related condition. Last evaluated: 2020-07-14. Review status: no assertion criteria provided. Collection method: clinical testing. Allele origin: germline. Not counted in ClinVar's aggregate classification.
Comment: This variant is classified as likely benign based on ACMG/AMP sequence variant interpretation guidelines (Richards et al. 2015 PMID: 25741868, with internal and published modifications).